The following is an entry in ClinVar:

ClinVar aggregate classification (germline): Uncertain significance (1 of 4 stars; one submission).

Submission:

GeneDx
Classification: Uncertain significance. Last evaluated: 2024-04-22. Review status: criteria provided, single submitter. Criteria: GeneDx Variant Classification Process June 2021. Collection method: clinical testing. Allele origin: germline. Affected: yes.
Comment: Not observed at significant frequency in large population cohorts (gnomAD); In silico analysis supports that this missense variant has a deleterious effect on protein structure/function; Has not been previously published as pathogenic or benign to our knowledge

NM_001318852.2(MAPK8IP3):c.3658T>C (p.Phe1220Leu)

Gene: MAPK8IP3 (mitogen-activated protein kinase 8 interacting protein 3; plus strand). Cytogenetic location: 16p13.3.
Variant type: single nucleotide variant.
Coding change: c.3658T>C on transcript NM_001318852.2 (MANE Select); coding-DNA position 3658, T replaced by C.
Protein change: p.Phe1220Leu; replaces phenylalanine 1220 with leucine.
Molecular consequence: missense variant.
Genome position (GRCh38, 1-based): chr16:1,768,294, T>C. VCF-style: chr16-1768294-T-C. GRCh37 (hg19) VCF-style: chr16-1818295-T-C.
Other names: c.3637T>C, p.Phe1213Leu (NM_001040439.2); c.3655T>C, p.Phe1219Leu (NM_015133.5); short protein forms F1213L, F1219L, F1220L.
Identifiers: ClinVar variation 3372851 (VCV003372851.1).